The following is an entry in ClinVar:

NM_001267550.2(TTN):c.57111+2T>C

Genes: TTN (titin; minus strand), TTN-AS1 (TTN antisense RNA 1; plus strand). Cytogenetic location: 2q31.2.
Variant type: single nucleotide variant.
Coding change: c.57111+2T>C on transcript NM_001267550.2 (MANE Select); the canonical splice donor site of the intron after coding-DNA position 57111, T replaced by C.
Molecular consequence: splice donor variant.
Genome position (GRCh38, 1-based): chr2:178,598,504, A>G on the plus strand (T>C on the coding strand, the complement: TTN is on the minus strand). VCF-style: chr2-178598504-A-G. GRCh37 (hg19) VCF-style: chr2-179463231-A-G.
Other names: c.29916+2T>C (NM_003319.4); c.30492+2T>C (NM_133437.4); c.30291+2T>C (NM_133432.3); c.49407+2T>C (NM_133378.4); c.52188+2T>C (NM_001256850.1).
Identifiers: ClinVar variation 3749554 (VCV003749554.2).

ClinVar aggregate classification (germline): Likely pathogenic (1 of 4 stars; one submission).

Conditions:
Dilated cardiomyopathy 1G (CMD1G). Identifiers: Orphanet 154, MedGen C1858763, MONDO:0011400, OMIM 604145.
Autosomal recessive limb-girdle muscular dystrophy type 2J (LGMDR10). Also called: Limb-girdle muscular dystrophy, type 2J; MUSCULAR DYSTROPHY, LIMB-GIRDLE, AUTOSOMAL RECESSIVE 10. Identifiers: Orphanet 140922, MedGen C1837342, MONDO:0012127, OMIM 608807.

Submission:

Labcorp Genetics (formerly Invitae), Labcorp
Classification: Likely pathogenic for Dilated cardiomyopathy 1G; Autosomal recessive limb-girdle muscular dystrophy type 2J. Last evaluated: 2024-06-28. Review status: criteria provided, single submitter. Criteria: Invitae Variant Classification Sherloc (09022015). Collection method: clinical testing. Allele origin: germline.
Comment: This sequence change affects a donor splice site in intron 292 of the TTN gene. It is expected to disrupt RNA splicing and likely results in a truncated or disrupted TTN protein. This variant is not present in population databases (gnomAD no frequency). This variant has not been reported in the literature in individuals affected with TTN-related conditions. Algorithms developed to predict the effect of sequence changes on RNA splicing suggest that this variant may disrupt the consensus splice site. This variant is located in the A band of TTN (PMID: 25589632). Truncating variants in this region are significantly overrepresented in patients affected with dilated cardiomyopathy (PMID: 25589632). Truncating variants in this region have also been reported in individuals affected with autosomal recessive centronuclear myopathy (PMID: 23975875). In summary, the currently available evidence indicates that the variant is pathogenic, but additional data are needed to prove that conclusively. Therefore, this variant has been classified as Likely Pathogenic.

Literature cited by the submitters: PubMed 25589632; PubMed 23975875.